The following is an entry in ClinVar:

NM_005422.4(TECTA):c.1002C>T (p.Asp334=)

Genes: TBCEL-TECTA (TBCEL-TECTA readthrough; plus strand), TECTA (tectorin alpha; plus strand). Cytogenetic location: 11q23.3.
Variant type: single nucleotide variant.
Coding change: c.1002C>T on transcript NM_005422.4 (MANE Select); coding-DNA position 1002, C replaced by T.
Protein change: p.Asp334=; no amino-acid change (aspartic acid 334 retained).
Molecular consequence: synonymous variant.
Genome position (GRCh38, 1-based): chr11:121,118,517, C>T. VCF-style: chr11-121118517-C-T. GRCh37 (hg19) VCF-style: chr11-120989226-C-T.
Other names: c.1959C>T, p.Asp653= (NM_001378761.1).
Identifiers: ClinVar variation 302995 (VCV000302995.23), dbSNP rs35282525, ClinGen allele CA6326651.
Genomic context (GRCh38, chr11:121,118,517, plus strand): 5'-CAGCGCTGTGGAGACCAGCACATGCGTGGTGTTTGGGGAGCCACACTACCACACTTTTGA[C>T]GGCTTCCTCTTCCACTTCCAAGGCTCCTGTGCCTACTTGCTGGCCCGACAGTGTTTGCAG-3'
Protein context (NP_005413.2, residues 324-344): VFGEPHYHTF[Asp334=]GFLFHFQGSC

ClinVar aggregate classification (germline): Conflicting classifications of pathogenicity. Review status: criteria provided, conflicting classifications (1 of 4 stars). 6 submissions from 5 submitters: Uncertain significance (1); Likely benign (5). Last evaluated 2024-12-23.

Conditions:
Autosomal recessive nonsyndromic hearing loss 21. Identifiers: Orphanet 90636, MedGen C1863655, MONDO:0011351, OMIM 603629.
Autosomal dominant nonsyndromic hearing loss 12. Also called: DEAFNESS, AUTOSOMAL DOMINANT 8. Identifiers: Orphanet 90635, MedGen C1832187, MONDO:0011102, OMIM 601543.

Allele frequency attached by ClinVar (database versions not stated): ExAC 0.00026; gnomAD exomes 0.00028; 1000 Genomes Project 0.00060; 1000 Genomes Project 30x 0.00062; gnomAD 0.00084 and 0.00090; TOPMed 0.00099; ESP Exome Variant Server 0.00115.
gnomAD v4.1: 358 of 1,614,192 alleles (0.022%); highest among the groups gnomAD compares: African/African-American, 0.29%; 2 homozygotes.

Submissions (6):

Labcorp Genetics (formerly Invitae), Labcorp
Classification: Likely benign. Last evaluated: 2024-12-23. Review status: criteria provided, single submitter. Criteria: Invitae Variant Classification Sherloc (09022015). Collection method: clinical testing. Allele origin: germline.

Blueprint Genetics
Classification: Likely benign. Last evaluated: 2024-10-22. Review status: criteria provided, single submitter. Criteria: ACMG Guidelines, 2015. Collection method: clinical testing. Allele origin: germline.

GeneDx
Classification: Likely benign. Last evaluated: 2020-01-16. Review status: criteria provided, single submitter. Criteria: GeneDx Variant Classification Process June 2021. Collection method: clinical testing. Allele origin: germline. Affected: yes.

ARUP Laboratories, Molecular Genetics and Genomics, ARUP Laboratories
Classification: Likely benign. Last evaluated: 2018-09-28. Review status: criteria provided, single submitter. Criteria: ARUP Molecular Germline Variant Investigation Process. Collection method: clinical testing. Allele origin: germline.

Illumina Laboratory Services, Illumina
Classification: Uncertain significance for Autosomal recessive nonsyndromic hearing loss 21. Last evaluated: 2018-01-12. Review status: criteria provided, single submitter. Criteria: ICSL Variant Classification Criteria 13 December 2019. Collection method: clinical testing. Allele origin: germline.

Illumina Laboratory Services, Illumina
Classification: Likely benign for Autosomal dominant nonsyndromic hearing loss 12. Last evaluated: 2018-01-12. Review status: criteria provided, single submitter. Criteria: ICSL Variant Classification Criteria 13 December 2019. Collection method: clinical testing. Allele origin: germline.
Comment: This variant was observed in the ICSL laboratory as part of a predisposition screen in an ostensibly healthy population. It had not been previously curated by ICSL or reported in the Human Gene Mutation Database (HGMD: prior to June 1st, 2018), and was therefore a candidate for classification through an automated scoring system. Utilizing variant allele frequency, disease prevalence and penetrance estimates, and inheritance mode, an automated score was calculated to assess if this variant is too frequent to cause the disease. Based on the score and internal cut-off values, a variant classified as likely benign is not then subjected to further curation. The score for this variant resulted in a classification of likely benign for this disease.